The following is an entry in ClinVar:

NM_004092.4(ECHS1):c.764G>C (p.Gly255Ala)

Gene: ECHS1 (enoyl-CoA hydratase, short chain 1; minus strand). Cytogenetic location: 10q26.3.
Variant type: single nucleotide variant.
Coding change: c.764G>C on transcript NM_004092.4 (MANE Select); coding-DNA position 764, G replaced by C.
Protein change: p.Gly255Ala; replaces glycine 255 with alanine.
Molecular consequence: missense variant.
Genome position (GRCh38, 1-based): chr10:133,364,701, C>G on the plus strand (G>C on the coding strand, the complement: ECHS1 is on the minus strand). VCF-style: chr10-133364701-C-G. GRCh37 (hg19) VCF-style: chr10-135178205-C-G.
Other names: short protein forms G255A.
Identifiers: ClinVar variation 1373029 (VCV001373029.6), dbSNP rs2133438746, ClinGen allele CA378817777.

ClinVar aggregate classification (germline): Uncertain significance (1 of 4 stars; one submission).

Allele frequency attached by ClinVar (database versions not stated): gnomAD exomes below 0.00001.
gnomAD v4.1: 1 of 1,613,862 alleles (0.000062%); highest among the groups gnomAD compares: Non-Finnish European, 0.000085%; no homozygotes.

Submission:

Labcorp Genetics (formerly Invitae), Labcorp
Classification: Uncertain significance. Last evaluated: 2022-06-05. Review status: criteria provided, single submitter. Criteria: Invitae Variant Classification Sherloc (09022015). Collection method: clinical testing. Allele origin: germline.
Comment: In summary, the available evidence is currently insufficient to determine the role of this variant in disease. Therefore, it has been classified as a Variant of Uncertain Significance. Algorithms developed to predict the effect of sequence changes on RNA splicing suggest that this variant may create or strengthen a splice site. Advanced modeling of protein sequence and biophysical properties (such as structural, functional, and spatial information, amino acid conservation, physicochemical variation, residue mobility, and thermodynamic stability) performed at Invitae indicates that this missense variant is expected to disrupt ECHS1 protein function. ClinVar contains an entry for this variant (Variation ID: 1373029). This variant has not been reported in the literature in individuals affected with ECHS1-related conditions. This variant is not present in population databases (gnomAD no frequency). This sequence change replaces glycine, which is neutral and non-polar, with alanine, which is neutral and non-polar, at codon 255 of the ECHS1 protein (p.Gly255Ala).